The following is an entry in ClinVar:

NM_001394062.1(MACF1):c.3359G>T (p.Ser1120Ile)

Gene: MACF1 (microtubule actin crosslinking factor 1; plus strand). Cytogenetic location: 1p34.3.
Variant type: single nucleotide variant.
Coding change: c.3359G>T on transcript NM_001394062.1 (MANE Select); coding-DNA position 3359, G replaced by T.
Protein change: p.Ser1120Ile; replaces serine 1120 with isoleucine.
Molecular consequence: missense variant.
Genome position (GRCh38, 1-based): chr1:39,315,601, G>T. VCF-style: chr1-39315601-G-T. GRCh37 (hg19) VCF-style: chr1-39781273-G-T.
Other names: c.3374G>T, p.Ser1125Ile (NM_012090.5); short protein forms S1125I, S1120I.
Identifiers: ClinVar variation 4713914 (VCV004713914.1).

ClinVar aggregate classification (germline): Uncertain significance (1 of 4 stars; one submission).

Submission:

Labcorp Genetics (formerly Invitae), Labcorp
Classification: Uncertain significance. Last evaluated: 2025-02-26. Review status: criteria provided, single submitter. Criteria: Invitae Variant Classification Sherloc (09022015). Collection method: clinical testing. Allele origin: germline.
Comment: This sequence change replaces serine, which is neutral and polar, with isoleucine, which is neutral and non-polar, at codon 1125 of the MACF1 protein (p.Ser1125Ile). This variant is not present in population databases (gnomAD no frequency). This variant has not been reported in the literature in individuals affected with MACF1-related conditions. An algorithm developed to predict the effect of missense changes on protein structure and function (PolyPhen-2) suggests that this variant is likely to be tolerated. In summary, the available evidence is currently insufficient to determine the role of this variant in disease. Therefore, it has been classified as a Variant of Uncertain Significance.